The following is an entry in ClinVar:

NM_020774.4(MIB1):c.-298G>A

Genes: MIB1 (MIB E3 ubiquitin protein ligase 1; plus strand), LOC130062254 (ATAC-STARR-seq lymphoblastoid silent region 9344; plus strand). Cytogenetic location: 18q11.2.
Variant type: single nucleotide variant.
Coding change: c.-298G>A on transcript NM_020774.4 (MANE Select); 298 bases upstream of the start codon, G replaced by A.
Molecular consequence: 5 prime UTR variant.
Genome position (GRCh38, 1-based): chr18:21,741,286, G>A. VCF-style: chr18-21741286-G-A. GRCh37 (hg19) VCF-style: chr18-19321247-G-A.
Identifiers: ClinVar variation 668990 (VCV000668990.2), dbSNP rs7243281, ClinGen allele CA15917633.

ClinVar aggregate classification (germline): Benign. Review status: criteria provided, multiple submitters, no conflicts (2 of 4 stars). 2 submissions from 2 submitters: Benign (2). Last evaluated 2018-06-18.

Allele frequency attached by ClinVar (database versions not stated): gnomAD 0.17469 and 0.18581; TOPMed 0.17730; gnomAD exomes 0.19147; 1000 Genomes Project 30x 0.24578; 1000 Genomes Project 0.25839.
gnomAD v4.1: 29,589 of 158,852 alleles (19%); highest among the groups gnomAD compares: South Asian, 40%; 3,366 homozygotes.

Submissions (2):

GeneDx
Classification: Benign. Last evaluated: 2018-06-18. Review status: criteria provided, single submitter. Criteria: GeneDx Variant Classification (06012015). Collection method: clinical testing. Allele origin: germline. Affected: yes.
Comment: This variant is considered likely benign or benign based on one or more of the following criteria: it is a conservative change, it occurs at a poorly conserved position in the protein, it is predicted to be benign by multiple in silico algorithms, and/or has population frequency not consistent with disease.

Breakthrough Genomics
Classification: Benign. Review status: criteria provided, single submitter. Criteria: ACMG Guidelines, 2015. Collection method: not provided. Allele origin: germline. Inheritance: Autosomal dominant inheritance. Affected: yes.